The following is an entry in ClinVar:

NM_000059.4(BRCA2):c.8296A>G (p.Thr2766Ala)

Gene: BRCA2 (BRCA2 DNA repair associated; plus strand). Cytogenetic location: 13q13.1.
Variant type: single nucleotide variant.
Coding change: c.8296A>G on transcript NM_000059.4 (MANE Select); coding-DNA position 8296, A replaced by G.
Protein change: p.Thr2766Ala; replaces threonine 2766 with alanine.
Molecular consequence: missense variant.
Genome position (GRCh38, 1-based): chr13:32,363,498, A>G. VCF-style: chr13-32363498-A-G. GRCh37 (hg19) VCF-style: chr13-32937635-A-G.
Other names: short protein forms T2766A.
Identifiers: ClinVar variation 1330031 (VCV001330031.13), dbSNP rs774027004, ClinGen allele CA6941207.

ClinVar aggregate classification (germline): Conflicting classifications of pathogenicity. Review status: criteria provided, conflicting classifications (1 of 4 stars). 5 submissions from 5 submitters: Uncertain significance (4); Benign (1). Last evaluated 2025-07-21.

Conditions:
Hereditary cancer-predisposing syndrome. Also called: Hereditary Cancer Syndrome; Tumor predisposition; Neoplastic Syndromes, Hereditary; Hereditary neoplastic syndrome. Identifiers: Orphanet 140162, MedGen C0027672, MeSH D009386, MONDO:0015356.
Hereditary breast ovarian cancer syndrome. Also called: Hereditary breast and ovarian cancer syndrome; Hereditary breast and ovarian cancer; Hereditary breast and ovarian cancer syndrome (HBOC); BRCA1- and BRCA2-Associated Hereditary Breast and Ovarian Cancer; Hereditary breast and/or ovarian cancer syndrome; Breast and ovarian cancer. Identifiers: Orphanet 145, MedGen C0677776, MeSH D061325, MONDO:0003582. Disease mechanism: loss of function.

gnomAD v4.1: 1 of 1,614,076 alleles (0.000062%); no homozygotes.

Submissions (5):

Labcorp Genetics (formerly Invitae), Labcorp
Classification: Uncertain significance for Hereditary breast ovarian cancer syndrome. Last evaluated: 2025-07-21. Review status: criteria provided, single submitter. Criteria: Invitae Variant Classification Sherloc (09022015). Collection method: clinical testing. Allele origin: germline.
Comment: This sequence change replaces threonine, which is neutral and polar, with alanine, which is neutral and non-polar, at codon 2766 of the BRCA2 protein (p.Thr2766Ala). This variant is present in population databases (rs774027004, gnomAD 0.004%). This missense change has been observed in individual(s) with breast and/or ovarian cancer (PMID: 29215753). ClinVar contains an entry for this variant (Variation ID: 1330031). Invitae Evidence Modeling of protein sequence and biophysical properties (such as structural, functional, and spatial information, amino acid conservation, physicochemical variation, residue mobility, and thermodynamic stability) indicates that this missense variant is not expected to disrupt BRCA2 protein function with a negative predictive value of 95%. In summary, the available evidence is currently insufficient to determine the role of this variant in disease. Therefore, it has been classified as a Variant of Uncertain Significance.

Ambry Genetics
Classification: Benign for Hereditary cancer-predisposing syndrome. Last evaluated: 2025-05-21. Review status: criteria provided, single submitter. Criteria: Ambry Variant Classification Scheme 2023. Collection method: clinical testing. Allele origin: germline.

Quest Diagnostics Nichols Institute San Juan Capistrano
Classification: Uncertain significance. Last evaluated: 2024-05-10. Review status: criteria provided, single submitter. Criteria: Quest Diagnostics criteria. Collection method: clinical testing. Allele origin: unknown.
Comment: The BRCA2 c.8296A>G (p.Thr2766Ala) variant has been reported in the published literature in an individual with breast and/or ovarian cancer (PMID: 29215753 (2018)). The frequency of this variant in the general population, 0.000008 (2/248554 chromosomes (Genome Aggregation Database)), is uninformative in the assessment of its pathogenicity. Analysis of this variant using bioinformatics tools for the prediction of the effect of amino acid changes on protein structure and function yielded predictions that this variant is benign. Based on the available information, we are unable to determine the clinical significance of this variant.

GeneDx
Classification: Uncertain significance. Last evaluated: 2024-01-31. Review status: criteria provided, single submitter. Criteria: GeneDx Variant Classification Process June 2021. Collection method: clinical testing. Allele origin: germline. Affected: yes.
Comment: Not observed at significant frequency in large population cohorts (gnomAD); In silico analysis supports that this missense variant does not alter protein structure/function; Observed in an individual with breast and/or ovarian cancer (PMID: 29215753); This variant is associated with the following publications: (PMID: 12228710, 29884841, 32377563, 29215753)

Sema4
Classification: Uncertain significance for Hereditary cancer-predisposing syndrome. Last evaluated: 2021-11-27. Review status: criteria provided, single submitter. Criteria: Sema4 Curation Guidelines. Collection method: curation. Allele origin: germline.
Comment: The BRCA2 c.8296A>G (p.T2766A) variant has been reported in heterozygosity in one individual with breast and/or ovarian cancer (PMID: 29215753). It was observed in 1/21634 chromosomes in the Finnish subpopulation according to the Genome Aggregation Database (PMID: 32461654). This variant has not been reported in ClinVar. In silico tools suggest the impact of the variant on protein function is inconclusive, though these predictions have not been confirmed by functional studies. The evidence is insufficient to meet ACMG/AMP criteria for classifying the variant as benign or pathogenic. Thus, the clinical significance of this variant is currently uncertain.

Literature cited by the submitters: PubMed 29215753 (cited by 3 submitters).